The following is an entry in ClinVar:

ClinVar aggregate classification (germline): Benign (1 of 4 stars; one submission).

Allele frequency attached by ClinVar (database versions not stated): gnomAD 0.09606 and 0.09713; TOPMed 0.10400; 1000 Genomes Project 0.12200; 1000 Genomes Project 30x 0.12867.
gnomAD v4.1: 14,492 of 152,190 alleles (9.5%); highest among the groups gnomAD compares: African/African-American, 26%; 1,513 homozygotes.

Submission:

GeneDx
Classification: Benign. Last evaluated: 2018-06-14. Review status: criteria provided, single submitter. Criteria: GeneDx Variant Classification (06012015). Collection method: clinical testing. Allele origin: germline. Affected: yes.
Comment: This variant is considered likely benign or benign based on one or more of the following criteria: it is a conservative change, it occurs at a poorly conserved position in the protein, it is predicted to be benign by multiple in silico algorithms, and/or has population frequency not consistent with disease.

NM_018238.4(AGK):c.726+187T>C

Gene: AGK (acylglycerol kinase; plus strand). Cytogenetic location: 7q34.
Variant type: single nucleotide variant.
Coding change: c.726+187T>C on transcript NM_018238.4 (MANE Select); 187 bases into the intron after coding-DNA position 726, T replaced by C.
Molecular consequence: intron variant.
Genome position (GRCh38, 1-based): chr7:141,637,204, T>C. VCF-style: chr7-141637204-T-C. GRCh37 (hg19) VCF-style: chr7-141337004-T-C.
Other names: c.726+187T>C (NM_001364948.3).
Identifiers: ClinVar variation 669758 (VCV000669758.1), dbSNP rs6964686, ClinGen allele CA12523418.